The following is an entry in ClinVar:

ClinVar aggregate classification (germline): Uncertain significance (3 of 4 stars; one submission).

Conditions:
Monogenic diabetes. Identifiers: Orphanet 183625, MedGen C3888631, MONDO:0015967.

Submission:

ClinGen Monogenic Diabetes Variant Curation Expert Panel
Classification: Uncertain significance for Monogenic diabetes. Last evaluated: 2024-10-13. Review status: reviewed by expert panel. Criteria: ClinGen Diabetes ACMG Specifications HNF1A V2.1.0. Collection method: curation. Allele origin: germline. Inheritance: Autosomal dominant inheritance.
Comment: The c.450G>C variant in the HNF1 homeobox A gene, HNF1A, causes an amino acid change of lysine to asparagine at codon 150 (p.(Lys150Asn)) of NM_000545.8. This variant is located within a conserved region of the DNA binding domain (codons 107-174 and 201-280) of HNF1A, which is defined as critical for the protein’s function by the ClinGen MDEP (PM1_Supporting). Additonally, this variant is predicted to be deleterious by computational evidence, with a REVEL score of 0.883, which is greater than the MDEP VCEP threshold of 0.70 (PP3). This variant is absent from gnomAD from gnomAD v2.1.1 (PM2_Supporting). This variant was identified in two unrelated individuals with non-autoimmune and non-absolute/near-absolute insulin-deficient diabetes; however, PS4_Moderate cannot be applied because this number is below the ClinGen MDEP threshold (internal lab contributors). One of these individuals had a clinical history highly specific for HNF1A-monogenic diabetes (MODY probability calculator result >50%, negative genetic testing for HNF4A, and negative autoantibodies) (PP4_Moderate; internal lab contributors). Furthermore, in one of these families, this variant segregated with diabetes with a single informative meiosis; however, this does not meet the thresholds for PP1 set by the ClinGen MDEP (internal lab contributors). Another missense variant at this residue, p.(Lys150Glu) has been classified as a VUS by the ClinGen MDEP; therefore, PM5 will not be applied. Additionally, another nucleotide change at this location resulting in the same amino acid change, c.450G>T p.(Lys150Asn), has been classified as a VUS by the ClinGen MDEP; therefore, PS1 will not be applied. In summary, c.450G>T meets the criteria to be classified as a variant of uncertain significance for monogenic diabetes. ACMG/AMP criteria applied, as specified by the ClinGen MDEP VCEP (specification version 2.1.1, approved 8/11/2023): PM1_Supporting, PP3, PM2_Supporting, PP4_Moderate.

NM_000545.8(HNF1A):c.450G>C (p.Lys150Asn)

Gene: HNF1A (HNF1 homeobox A; plus strand). Cytogenetic location: 12q24.31.
Variant type: single nucleotide variant.
Coding change: c.450G>C on transcript NM_000545.8 (MANE Select); coding-DNA position 450, G replaced by C.
Protein change: p.Lys150Asn; replaces lysine 150 with asparagine.
Molecular consequence: missense variant.
Genome position (GRCh38, 1-based): chr12:120,988,956, G>C. VCF-style: chr12-120988956-G-C. GRCh37 (hg19) VCF-style: chr12-121426759-G-C.
Other names: NM_001306179.2:c.450G>C; c.450G>C, p.Lys150Asn (NM_001306179.2, NM_001406915.1); short protein forms K150N.
Identifiers: ClinVar variation 3370447 (VCV003370447.1).
Genomic context (GRCh38, chr12:120,988,956, plus strand): 5'-GCGGGAGGTGGTCGATACCACTGGCCTCAACCAGTCCCACCTGTCCCAACACCTCAACAA[G>C]GGCACTCCCATGAAGACGCAGAAGCGGGCCGCCCTGTACACCTGGTACGTCCGCAAGCAG-3'
Protein context (NP_000536.6, residues 140-160): NQSHLSQHLN[Lys150Asn]GTPMKTQKRA